The following is an entry in ClinVar:

ClinVar aggregate classification (germline): Uncertain significance (1 of 4 stars; one submission).

gnomAD v4.1: 18 of 1,551,584 alleles (0.0012%); highest among the groups gnomAD compares: Non-Finnish European, 0.0016%; no homozygotes.

Submission:

Labcorp Genetics (formerly Invitae), Labcorp
Classification: Uncertain significance. Last evaluated: 2024-11-19. Review status: criteria provided, single submitter. Criteria: Invitae Variant Classification Sherloc (09022015). Collection method: clinical testing. Allele origin: germline.
Comment: This sequence change replaces proline, which is neutral and non-polar, with serine, which is neutral and polar, at codon 1674 of the TET2 protein (p.Pro1674Ser). This variant is present in population databases (no rsID available, gnomAD 0.003%). This variant has not been reported in the literature in individuals affected with TET2-related conditions. An algorithm developed to predict the effect of missense changes on protein structure and function (PolyPhen-2) suggests that this variant is likely to be disruptive. In summary, the available evidence is currently insufficient to determine the role of this variant in disease. Therefore, it has been classified as a Variant of Uncertain Significance.

NM_001127208.3(TET2):c.5020C>T (p.Pro1674Ser)

Genes: TET2 (tet methylcytosine dioxygenase 2; plus strand), TET2-AS1 (TET2 antisense RNA 1; minus strand). Cytogenetic location: 4q24.
Variant type: single nucleotide variant.
Coding change: c.5020C>T on transcript NM_001127208.3 (MANE Select); coding-DNA position 5020, C replaced by T.
Protein change: p.Pro1674Ser; replaces proline 1674 with serine.
Molecular consequence: missense variant.
Genome position (GRCh38, 1-based): chr4:105,275,530, C>T. VCF-style: chr4-105275530-C-T. GRCh37 (hg19) VCF-style: chr4-106196687-C-T.
Other names: short protein forms P1674S.
Identifiers: ClinVar variation 3719519 (VCV003719519.2).